The following is an entry in ClinVar:

NM_025099.6(CTC1):c.980T>C (p.Leu327Ser)

Gene: CTC1 (CST telomere replication complex component 1; minus strand). Cytogenetic location: 17p13.1.
Variant type: single nucleotide variant.
Coding change: c.980T>C on transcript NM_025099.6 (MANE Select); coding-DNA position 980, T replaced by C.
Protein change: p.Leu327Ser; replaces leucine 327 with serine.
Molecular consequence: missense variant. On other transcripts: non-coding transcript variant (1).
Genome position (GRCh38, 1-based): chr17:8,236,155, A>G on the plus strand (T>C on the coding strand, the complement: CTC1 is on the minus strand). VCF-style: chr17-8236155-A-G. GRCh37 (hg19) VCF-style: chr17-8139473-A-G.
Other names: short protein forms L327S.
Identifiers: ClinVar variation 1461031 (VCV001461031.8), dbSNP rs902038280, ClinGen allele CA287537559.

ClinVar aggregate classification (germline): Uncertain significance. Review status: criteria provided, multiple submitters, no conflicts (2 of 4 stars). 2 submissions from 2 submitters: Uncertain significance (2). Last evaluated 2021-12-21.

Conditions:
Cerebroretinal microangiopathy with calcifications and cysts 1 (CRMCC1). Identifiers: Orphanet 313838, MedGen C4552029, MONDO:0024564, OMIM 612199.
Dyskeratosis congenita. Identifiers: Orphanet 1775, MedGen C0265965, MONDO:0015780.

Allele frequency attached by ClinVar (database versions not stated): gnomAD exomes below 0.00001 and 0.00001; gnomAD 0.00001 and 0.00002; TOPMed 0.00003.
gnomAD v4.1: 6 of 1,614,010 alleles (0.00037%); highest among the groups gnomAD compares: Admixed American, 0.0033%; no homozygotes.

Submissions (2):

Fulgent Genetics
Classification: Uncertain significance for Cerebroretinal microangiopathy with calcifications and cysts 1. Last evaluated: 2021-12-21. Review status: criteria provided, single submitter. Criteria: ACMG Guidelines, 2015. Collection method: clinical testing. Allele origin: unknown.

Labcorp Genetics (formerly Invitae), Labcorp
Classification: Uncertain significance for Dyskeratosis congenita. Last evaluated: 2021-06-04. Review status: criteria provided, single submitter. Criteria: Invitae Variant Classification Sherloc (09022015). Collection method: clinical testing. Allele origin: germline.
Comment: This sequence change replaces leucine with serine at codon 327 of the CTC1 protein (p.Leu327Ser). The leucine residue is moderately conserved and there is a large physicochemical difference between leucine and serine. This variant is not present in population databases (ExAC no frequency). This variant has not been reported in the literature in individuals with CTC1-related conditions. Algorithms developed to predict the effect of missense changes on protein structure and function output the following: SIFT: "Tolerated"; PolyPhen-2: "Possibly Damaging"; Align-GVGD: "Class C0". The serine amino acid residue is found in multiple mammalian species, suggesting that this missense change does not adversely affect protein function. These predictions have not been confirmed by published functional studies and their clinical significance is uncertain. In summary, the available evidence is currently insufficient to determine the role of this variant in disease. Therefore, it has been classified as a Variant of Uncertain Significance.